The following is an entry in ClinVar:

ClinVar aggregate classification (germline): Uncertain significance. Review status: criteria provided, multiple submitters, no conflicts (2 of 4 stars). 2 submissions from 2 submitters: Uncertain significance (2). Last evaluated 2025-06-03.

Conditions:
Dilated cardiomyopathy 1G (CMD1G). Identifiers: Orphanet 154, MedGen C1858763, MONDO:0011400, OMIM 604145.
Autosomal recessive limb-girdle muscular dystrophy type 2J (LGMDR10). Also called: Limb-girdle muscular dystrophy, type 2J; MUSCULAR DYSTROPHY, LIMB-GIRDLE, AUTOSOMAL RECESSIVE 10. Identifiers: Orphanet 140922, MedGen C1837342, MONDO:0012127, OMIM 608807.

Allele frequency attached by ClinVar (database versions not stated): gnomAD exomes 0.00001 and 0.00002; gnomAD 0.00002 and 0.00004; ExAC 0.00003; TOPMed 0.00004; 1000 Genomes Project 30x 0.00016; 1000 Genomes Project 0.00020.
gnomAD v4.1: 20 of 1,613,214 alleles (0.0012%); highest among the groups gnomAD compares: Middle Eastern, 0.049%; no homozygotes.

Submissions (2):

GeneDx
Classification: Uncertain significance. Last evaluated: 2025-06-03. Review status: criteria provided, single submitter. Criteria: GeneDx Variant Classification Process June 2021. Collection method: clinical testing. Allele origin: germline. Affected: yes.
Comment: Reported previously in a patient with selective atrophy of the right radial carpal extensors and left tibialis anterior, myopathic changes and rimmed vacuoles on muscle biopsy, and an increased CK level (PMID: 32403337); Not observed at significant frequency in large population cohorts (gnomAD); Missense variant in a gene in which most reported pathogenic variants are truncating/loss of function; This variant is associated with the following publications: (PMID: 32403337)

Labcorp Genetics (formerly Invitae), Labcorp
Classification: Uncertain significance for Dilated cardiomyopathy 1G; Autosomal recessive limb-girdle muscular dystrophy type 2J. Last evaluated: 2016-11-08. Review status: criteria provided, single submitter. Criteria: Invitae Variant Classification Sherloc (09022015). Collection method: clinical testing. Allele origin: germline.

NM_001267550.2(TTN):c.100018C>A (p.Gln33340Lys)

Genes: TTN-AS1 (TTN antisense RNA 1; plus strand), TTN (titin; minus strand), LOC126806420 (BRD4-independent group 4 enhancer GRCh37_chr2:179401104-179402303; plus strand). Cytogenetic location: 2q31.2.
Variant type: single nucleotide variant.
Coding change: c.100018C>A on transcript NM_001267550.2 (MANE Select); coding-DNA position 100018, C replaced by A.
Protein change: p.Gln33340Lys; replaces glutamine 33340 with lysine.
Molecular consequence: missense variant.
Genome position (GRCh38, 1-based): chr2:178,537,091, G>T on the plus strand (C>A on the coding strand, the complement: TTN is on the minus strand). VCF-style: chr2-178537091-G-T. GRCh37 (hg19) VCF-style: chr2-179401818-G-T.
Other names: c.100018C>A (NM_001267550.1); c.95095C>A, p.Gln31699Lys (NM_001256850.1); c.72823C>A, p.Gln24275Lys (NM_003319.4); c.92314C>A, p.Gln30772Lys (NM_133378.4); c.73198C>A, p.Gln24400Lys (NM_133432.3); c.73399C>A, p.Gln24467Lys (NM_133437.4); short protein forms Q33340K, Q31699K, Q24400K, Q24467K, Q30772K, Q24275K.
Identifiers: ClinVar variation 404628 (VCV000404628.4), dbSNP rs558954116, ClinGen allele CA1986088.